The following is an entry in ClinVar:

ClinVar aggregate classification (germline): Likely benign (1 of 4 stars; one submission).

Allele frequency attached by ClinVar (database versions not stated): 1000 Genomes Project 30x 0.00453; 1000 Genomes Project 0.00499; TOPMed 0.00683; gnomAD 0.00976 and 0.01011.
gnomAD v4.1: 1,501 of 152,254 alleles (0.99%); highest among the groups gnomAD compares: Non-Finnish European, 1.2%; 17 homozygotes.

Submission:

GeneDx
Classification: Likely benign. Last evaluated: 2018-06-14. Review status: criteria provided, single submitter. Criteria: GeneDx Variant Classification (06012015). Collection method: clinical testing. Allele origin: germline. Affected: yes.
Comment: This variant is considered likely benign or benign based on one or more of the following criteria: it is a conservative change, it occurs at a poorly conserved position in the protein, it is predicted to be benign by multiple in silico algorithms, and/or has population frequency not consistent with disease.

NM_152416.4(NDUFAF6):c.714+197A>G

Gene: NDUFAF6 (NADH:ubiquinone oxidoreductase complex assembly factor 6; plus strand). Cytogenetic location: 8q22.1.
Variant type: single nucleotide variant.
Coding change: c.714+197A>G on transcript NM_152416.4 (MANE Select); 197 bases into the intron after coding-DNA position 714, A replaced by G.
Molecular consequence: intron variant.
Genome position (GRCh38, 1-based): chr8:95,047,324, A>G. VCF-style: chr8-95047324-A-G. GRCh37 (hg19) VCF-style: chr8-96059552-A-G.
Other names: c.381+197A>G (NM_001354534.2, NM_001354518.2, NM_001354519.2 and 1 more transcripts); c.438+197A>G (NM_001354514.2, NM_001354515.2, NM_001330582.2 and 1 more transcripts); c.258+197A>G (NM_001354525.2, NM_001354524.2, NM_001354522.2 and 7 more transcripts); c.558+197A>G (NM_001354516.2).
Identifiers: ClinVar variation 681285 (VCV000681285.1), dbSNP rs145770124, ClinGen allele CA181477063.
Genomic context (GRCh38, chr8:95,047,324, plus strand): 5'-TCTTTTTATCCCAGAGTTATCAAGTCAGAATTGTGTCCATCAGGCATTTTAGGTCTCTGG[A>G]GGAGCAATGAGTAGGAAGGTCTAGAGAACCTCATTTGGTATAGCTTCATGTTGATGCCTT-3'